The following is an entry in ClinVar:

ClinVar aggregate classification (germline): Uncertain significance. Review status: criteria provided, multiple submitters, no conflicts (2 of 4 stars). 4 submissions from 4 submitters: Uncertain significance (4). Last evaluated 2025-07-25.

Conditions:
Hereditary cancer-predisposing syndrome. Also called: Hereditary Cancer Syndrome; Hereditary neoplastic syndrome; Tumor predisposition; Neoplastic Syndromes, Hereditary. Identifiers: Orphanet 140162, MedGen C0027672, MeSH D009386, MONDO:0015356.
Familial adenomatous polyposis 1 (FAP1). Also called: FAMILIAL ADENOMATOUS POLYPOSIS 1, ATTENUATED; POLYPOSIS, ADENOMATOUS INTESTINAL. Identifiers: MedGen C2713442, MONDO:0021056, OMIM 175100. Disease mechanism: loss of function.

Submissions (4):

Ambry Genetics
Classification: Uncertain significance for Hereditary cancer-predisposing syndrome. Last evaluated: 2025-07-25. Review status: criteria provided, single submitter. Criteria: Ambry Variant Classification Scheme 2023. Collection method: clinical testing. Allele origin: germline.
Comment: The c.6577_6579delAAA variant (also known as p.K2193del) is located in coding exon 15 of the APC gene. This variant results from an in-frame AAA deletion at nucleotide positions 6577 to 6579. This results in the in-frame deletion of a lysine at codon 2193. This amino acid position is well conserved in available vertebrate species. In addition, the in silico prediction for this variant is inconclusive (Choi Y et al. PLoS ONE. 2012; 7(10):e46688). Based on the available evidence, the clinical significance of this variant remains unclear.

Color Diagnostics, LLC DBA Color Health
Classification: Uncertain significance for Hereditary cancer-predisposing syndrome. Last evaluated: 2025-07-23. Review status: criteria provided, single submitter. Criteria: ACMG Guidelines, 2015. Collection method: clinical testing. Allele origin: germline.
Comment: This variant deletes lysine at codon 2193 in exon 16 the APC protein. To our knowledge, functional studies have not been reported for this variant. This variant has not been reported in individuals affected with APC-related disorders in the literature. This variant has not been identified in the general population by the Genome Aggregation Database (gnomAD). The available evidence is insufficient to determine the role of this variant in disease conclusively. Therefore, this variant is classified as a Variant of Uncertain Significance.

Baylor Genetics
Classification: Uncertain significance for Familial adenomatous polyposis 1. Last evaluated: 2024-01-11. Review status: criteria provided, single submitter. Criteria: ACMG Guidelines, 2015. Collection method: clinical testing. Allele origin: unknown.

Labcorp Genetics (formerly Invitae), Labcorp
Classification: Uncertain significance for Familial adenomatous polyposis 1. Last evaluated: 2019-03-04. Review status: criteria provided, single submitter. Criteria: Invitae Variant Classification Sherloc (09022015). Collection method: clinical testing. Allele origin: germline.
Comment: In summary, the available evidence is currently insufficient to determine the role of this variant in disease. Therefore, it has been classified as a Variant of Uncertain Significance. Experimental studies and prediction algorithms are not available for this variant, and the functional significance of the affected amino acid(s) is currently unknown. This variant has not been reported in the literature in individuals with APC-related conditions. This variant is not present in population databases (ExAC no frequency). This variant, c.6577_6579del, results in the deletion of 1 amino acid(s) of the APC protein (p.Lys2193del), but otherwise preserves the integrity of the reading frame.

NM_000038.6(APC):c.6577_6579del (p.Lys2193del)

Gene: APC (APC regulator of Wnt signaling pathway; plus strand). Cytogenetic location: 5q22.2.
Variant type: Deletion.
Coding change: c.6577_6579del on transcript NM_000038.6 (MANE Select); coding-DNA positions 6577 to 6579, 3 bases deleted (AAA; older notation c.6577_6579delAAA).
Protein change: p.Lys2193del; deletes lysine 2193.
Molecular consequence: inframe deletion.
Genome position (GRCh38, 1-based): chr5:112,842,171-112,842,173, AAA deleted; deleting any 3 consecutive bases within chr5:112,842,167-112,842,173 gives the same sequence; the c. name uses the placement nearest the transcript's 3' end. VCF-style (leftmost placement, unchanged base first): chr5-112842166-GAAA-G. GRCh37 (hg19) VCF-style: chr5-112177863-GAAA-G.
Other names: c.6577_6579del, p.Lys2193del (NM_001127510.3, NM_001354895.2); c.6523_6525del, p.Lys2175del (NM_001127511.3); c.6631_6633del, p.Lys2211del (NM_001354896.2); c.6607_6609del, p.Lys2203del (NM_001354897.2); c.6502_6504del, p.Lys2168del (NM_001354898.2); c.6493_6495del, p.Lys2165del (NM_001354899.2); c.6454_6456del, p.Lys2152del (NM_001354900.2); c.6400_6402del, p.Lys2134del (NM_001354901.2); and 6 more; short protein forms K1910del, K2092del, K2165del, K2175del, K2033del, K2134del, K2203del, K2211del.
Identifiers: ClinVar variation 843954 (VCV000843954.13), dbSNP rs775076289, ClinGen allele CA916080352.